The following is an entry in ClinVar:

NC_000006.11:g.(?_7542149)_(7586111_?)del

Gene: DSP (desmoplakin; plus strand). Cytogenetic location: 6p24.3.
Variant type: Deletion.
Identifiers: ClinVar variation 1457655 (VCV001457655.7).

ClinVar aggregate classification (germline): Pathogenic (1 of 4 stars; one submission).

Conditions:
Arrhythmogenic right ventricular dysplasia 8 (ARVD8). Also called: Arrhythmogenic Right Ventricular Dysplasia/Cardiomyopathy 8; ARRHYTHMOGENIC RIGHT VENTRICULAR DYSPLASIA, FAMILIAL, 8; ARRHYTHMOGENIC RIGHT VENTRICULAR CARDIOMYOPATHY 8. Identifiers: MedGen C1843896, MONDO:0011831, OMIM 607450.
Arrhythmogenic cardiomyopathy with wooly hair and keratoderma. Also called: Arrhythmogenic cardiomyopathy with woolly hair and keratoderma; PALMOPLANTAR KERATODERMA WITH LEFT VENTRICULAR CARDIOMYOPATHY AND WOOLLY HAIR; Carvajal syndrome; Dilated cardiomyopathy with woolly hair and keratoderma. Identifiers: Orphanet 65282, MedGen C1854063, MONDO:0011581, OMIM 605676.

Submission:

Labcorp Genetics (formerly Invitae), Labcorp
Classification: Pathogenic for Arrhythmogenic cardiomyopathy with wooly hair and keratoderma; Arrhythmogenic right ventricular dysplasia 8. Last evaluated: 2022-10-17. Review status: criteria provided, single submitter. Criteria: Invitae Variant Classification Sherloc (09022015). Collection method: clinical testing. Allele origin: germline.
Comment: A gross deletion of the genomic region encompassing the full coding sequence of the DSP gene has been identified. Loss-of-function variants in DSP are known to be pathogenic (PMID: 20716751, 24503780, 25227139). The boundaries of this event are unknown as they extend beyond the assayed region for this gene and therefore may encompass additional genes. This variant has not been reported in the literature in individuals affected with DSP-related conditions. For these reasons, this variant has been classified as Pathogenic.

Literature cited by the submitters: PubMed 20716751; PubMed 24503780; PubMed 25227139.